The following is an entry in ClinVar:

NM_024757.5(EHMT1):c.2341G>A (p.Ala781Thr)

Gene: EHMT1 (euchromatic histone lysine methyltransferase 1; plus strand). Cytogenetic location: 9q34.3.
Variant type: single nucleotide variant.
Coding change: c.2341G>A on transcript NM_024757.5 (MANE Select); coding-DNA position 2341, G replaced by A.
Protein change: p.Ala781Thr; replaces alanine 781 with threonine.
Molecular consequence: missense variant.
Genome position (GRCh38, 1-based): chr9:137,782,356, G>A. VCF-style: chr9-137782356-G-A. GRCh37 (hg19) VCF-style: chr9-140676808-G-A.
Other names: c.2341G>A, p.Ala781Thr (NM_001145527.2); c.2248G>A, p.Ala750Thr (NM_001354259.2); c.2320G>A, p.Ala774Thr (NM_001354263.2); short protein forms A750T, A774T, A781T.
Identifiers: ClinVar variation 5009637 (VCV005009637.1).

ClinVar aggregate classification (germline): Uncertain significance (1 of 4 stars; one submission).

Submission:

GeneDx
Classification: Uncertain significance. Last evaluated: 2026-02-13. Review status: criteria provided, single submitter. Criteria: GeneDx Variant Classification Process June 2021. Collection method: clinical testing. Allele origin: germline.
Comment: Not observed at significant frequency in large population cohorts (gnomAD); In silico analysis supports that this missense variant has a deleterious effect on protein structure/function; Has not been previously published as pathogenic or benign to our knowledge